The following is an entry in ClinVar:

NM_001966.4(EHHADH):c.703C>T (p.Arg235Cys)

Gene: EHHADH (enoyl-CoA hydratase and 3-hydroxyacyl CoA dehydrogenase; minus strand). Cytogenetic location: 3q27.2.
Variant type: single nucleotide variant.
Coding change: c.703C>T on transcript NM_001966.4 (MANE Select); coding-DNA position 703, C replaced by T.
Protein change: p.Arg235Cys; replaces arginine 235 with cysteine.
Molecular consequence: missense variant.
Genome position (GRCh38, 1-based): chr3:185,204,623, G>A on the plus strand (C>T on the coding strand, the complement: EHHADH is on the minus strand). VCF-style: chr3-185204623-G-A. GRCh37 (hg19) VCF-style: chr3-184922411-G-A.
Other names: c.415C>T, p.Arg139Cys (NM_001166415.2); short protein forms R235C, R139C.
Identifiers: ClinVar variation 2594882 (VCV002594882.4), dbSNP rs141664962, ClinGen allele CA2739151.

ClinVar aggregate classification (germline): Uncertain significance. Review status: criteria provided, single submitter (1 of 4 stars). 2 submissions from 2 submitters: Uncertain significance (1). 1 of the submissions does not count toward it. Last evaluated 2023-06-16.

Conditions:
EHHADH-related disorder. Also called: EHHADH-related condition.

Allele frequency attached by ClinVar (database versions not stated): gnomAD exomes 0.00004; ExAC 0.00011; ESP Exome Variant Server 0.00015; gnomAD 0.00025; TOPMed 0.00027; 1000 Genomes Project 0.00060.
gnomAD v4.1: 104 of 1,614,188 alleles (0.0064%); highest among the groups gnomAD compares: African/African-American, 0.089%; no homozygotes.

Submissions (2):

Ambry Genetics
Classification: Uncertain significance. Last evaluated: 2023-06-16. Review status: criteria provided, single submitter. Criteria: Ambry Variant Classification Scheme 2023. Collection method: clinical testing. Allele origin: germline.

PreventionGenetics, part of Exact Sciences
Classification: Likely benign for EHHADH-related condition. Last evaluated: 2021-05-03. Review status: no assertion criteria provided. Collection method: clinical testing. Allele origin: germline. Not counted in ClinVar's aggregate classification.
Comment: This variant is classified as likely benign based on ACMG/AMP sequence variant interpretation guidelines (Richards et al. 2015 PMID: 25741868, with internal and published modifications).